The following is an entry in ClinVar:

ClinVar aggregate classification (germline): Conflicting classifications of pathogenicity. Review status: criteria provided, conflicting classifications (1 of 4 stars). 8 submissions from 6 submitters: Uncertain significance (5); Benign (1); Likely benign (1). 1 of the submissions does not count toward it. Last evaluated 2024-10-23.

Conditions:
Hereditary spherocytosis type 4. Also called: SLC4A1-Related Spherocytosis. Identifiers: Orphanet 822, MedGen C2675212, MONDO:0012981, OMIM 612653.
SWANN BLOOD GROUP ANTIGEN.
Autosomal dominant distal renal tubular acidosis (DRTA1). Also called: RENAL TUBULAR ACIDOSIS, DISTAL, 1; RTA, CLASSIC TYPE; RTA, DISTAL TYPE, AUTOSOMAL DOMINANT; RTA, GRADIENT TYPE; Renal Tubular Acidosis, Type I. Identifiers: Orphanet 93608, MedGen CN280572, MONDO:0008368, OMIM 179800.
Hemolytic anemia. Identifiers: MedGen C0002878, MONDO:0003664, HP:0001878.

Allele frequency attached by ClinVar (database versions not stated): gnomAD 0.00003 and 0.00004; gnomAD exomes 0.00003; ExAC 0.00004; TOPMed 0.00005.

Submissions (8):

Labcorp Genetics (formerly Invitae), Labcorp
Classification: Likely benign. Last evaluated: 2024-10-23. Review status: criteria provided, single submitter. Criteria: Invitae Variant Classification Sherloc (09022015). Collection method: clinical testing. Allele origin: germline.

Mayo Clinic Laboratories, Mayo Clinic
Classification: Uncertain significance. Last evaluated: 2021-07-27. Review status: criteria provided, single submitter. Criteria: ACMG Guidelines, 2015. Collection method: clinical testing. Allele origin: germline.

Revvity Omics, Revvity
Classification: Uncertain significance. Last evaluated: 2020-10-07. Review status: criteria provided, single submitter. Criteria: ACMG Guidelines, 2015. Collection method: clinical testing. Allele origin: germline.

ARUP Laboratories, Molecular Genetics and Genomics, ARUP Laboratories
Classification: Uncertain significance. Last evaluated: 2019-02-23. Review status: criteria provided, single submitter. Criteria: ARUP Molecular Germline Variant Investigation Process. Collection method: clinical testing. Allele origin: germline.

Illumina Laboratory Services, Illumina
Classification: Benign for Autosomal dominant distal renal tubular acidosis. Last evaluated: 2017-04-27. Review status: criteria provided, single submitter. Criteria: ICSL Variant Classification Criteria 13 December 2019. Collection method: clinical testing. Allele origin: germline.
Comment: This variant was observed as part of a predisposition screen in an ostensibly healthy population. A literature search was performed for the gene, cDNA change, and amino acid change (where applicable). No publications were found based on this search. Allele frequency data from public databases was too high to be consistent with this variant causing disease. Therefore, this variant is classified as benign.

Illumina Laboratory Services, Illumina
Classification: Uncertain significance for Hereditary spherocytosis type 4. Last evaluated: 2017-04-27. Review status: criteria provided, single submitter. Criteria: ICSL Variant Classification Criteria 13 December 2019. Collection method: clinical testing. Allele origin: germline.

Illumina Laboratory Services, Illumina
Classification: Uncertain significance for Hemolytic anemia. Last evaluated: 2017-04-27. Review status: criteria provided, single submitter. Criteria: ICSL Variant Classification Criteria 13 December 2019. Collection method: clinical testing. Allele origin: germline.

OMIM
Classification: Pathogenic for SWANN BLOOD GROUP ANTIGEN. Last evaluated: 2000-01-01. Review status: no assertion criteria provided. Collection method: literature only. Allele origin: germline. Not counted in ClinVar's aggregate classification.

Literature cited by the submitters: PubMed 11155072 (cited by OMIM).

NM_000342.4(SLC4A1):c.1937G>A (p.Arg646Gln)

Gene: SLC4A1 (solute carrier family 4 member 1 (Diego blood group); minus strand). Cytogenetic location: 17q21.31.
Variant type: single nucleotide variant.
Coding change: c.1937G>A on transcript NM_000342.4 (MANE Select); coding-DNA position 1937, G replaced by A.
Protein change: p.Arg646Gln; replaces arginine 646 with glutamine.
Molecular consequence: missense variant.
Genome position (GRCh38, 1-based): chr17:44,254,616, C>T on the plus strand (G>A on the coding strand, the complement: SLC4A1 is on the minus strand). VCF-style: chr17-44254616-C-T. GRCh37 (hg19) VCF-style: chr17-42331984-C-T.
Other names: short protein forms R646Q.
Identifiers: ClinVar variation 17782 (VCV000017782.25), dbSNP rs121912757, ClinGen allele CA127408.
Genomic context (GRCh38, chr17:44,254,616, plus strand): 5'-GCAAACATCATCCAGATGGGAAACTCGGAACGCAAGCCCAGTGGGTGGATGACCCAGCCC[C>T]GGGCTGAGGAGTTGGACACCTTGAAGCCATCAGGCACCGAGAGTTTCTGTGGGAGGGGGT-3'
Protein context (NP_000333.1, residues 636-656): DGFKVSNSSA[Arg646Gln]GWVIHPLGLR